The following is an entry in ClinVar:

ClinVar aggregate classification (germline): Uncertain significance (1 of 4 stars; one submission).

Submission:

Labcorp Genetics (formerly Invitae), Labcorp
Classification: Uncertain significance. Last evaluated: 2024-01-17. Review status: criteria provided, single submitter. Criteria: Invitae Variant Classification Sherloc (09022015). Collection method: clinical testing. Allele origin: germline.
Comment: This sequence change replaces cysteine, which is neutral and slightly polar, with phenylalanine, which is neutral and non-polar, at codon 1639 of the ITPR1 protein (p.Cys1639Phe). This variant is not present in population databases (gnomAD no frequency). This variant has not been reported in the literature in individuals affected with ITPR1-related conditions. ClinVar contains an entry for this variant (Variation ID: 1520570). Advanced modeling of protein sequence and biophysical properties (such as structural, functional, and spatial information, amino acid conservation, physicochemical variation, residue mobility, and thermodynamic stability) performed at Invitae indicates that this missense variant is not expected to disrupt ITPR1 protein function with a negative predictive value of 95%. In summary, the available evidence is currently insufficient to determine the role of this variant in disease. Therefore, it has been classified as a Variant of Uncertain Significance.

NM_001378452.1(ITPR1):c.4988G>T (p.Cys1663Phe)

Genes: BRRIAR (BHLHE40 and RIG-I regulating ITPR1 antisense RNA; minus strand), ITPR1 (inositol 1,4,5-trisphosphate receptor type 1; plus strand). Cytogenetic location: 3p26.1.
Variant type: single nucleotide variant.
Coding change: c.4988G>T on transcript NM_001378452.1 (MANE Select); coding-DNA position 4988, G replaced by T.
Protein change: p.Cys1663Phe; replaces cysteine 1663 with phenylalanine.
Molecular consequence: missense variant.
Genome position (GRCh38, 1-based): chr3:4,710,470, G>T. VCF-style: chr3-4710470-G-T. GRCh37 (hg19) VCF-style: chr3-4752154-G-T.
Other names: c.4961G>T, p.Cys1654Phe (NM_001099952.4); c.4943G>T, p.Cys1648Phe (NM_001168272.2); c.4916G>T, p.Cys1639Phe (NM_002222.7); short protein forms C1648F, C1663F, C1639F, C1654F.
Identifiers: ClinVar variation 1520570 (VCV001520570.8), dbSNP rs2125280457, ClinGen allele CA351636128.